The following is an entry in ClinVar:

ClinVar aggregate classification (germline): Uncertain significance. Review status: criteria provided, multiple submitters, no conflicts (2 of 4 stars). 2 submissions from 2 submitters: Uncertain significance (2). Last evaluated 2025-04-13.

Conditions:
Inborn genetic diseases. Identifiers: MedGen C0950123, MeSH D030342.

Submissions (2):

Ambry Genetics
Classification: Uncertain significance for Inborn genetic diseases. Last evaluated: 2025-04-13. Review status: criteria provided, single submitter. Criteria: Ambry Variant Classification Scheme 2023. Collection method: clinical testing. Allele origin: germline.
Comment: The p.R311L variant (also known as c.932G>T), located in coding exon 9 of the DDX41 gene, results from a G to T substitution at nucleotide position 932. The arginine at codon 311 is replaced by leucine, an amino acid with dissimilar properties. This amino acid position is conserved. In addition, this alteration is predicted to be tolerated by in silico analysis. Based on the available evidence, the clinical significance of this variant remains unclear.

Labcorp Genetics (formerly Invitae), Labcorp
Classification: Uncertain significance. Last evaluated: 2024-03-07. Review status: criteria provided, single submitter. Criteria: Invitae Variant Classification Sherloc (09022015). Collection method: clinical testing. Allele origin: germline.
Comment: This sequence change replaces arginine, which is basic and polar, with leucine, which is neutral and non-polar, at codon 311 of the DDX41 protein (p.Arg311Leu). This variant is not present in population databases (gnomAD no frequency). This variant has not been reported in the literature in individuals affected with DDX41-related conditions. An algorithm developed to predict the effect of missense changes on protein structure and function (PolyPhen-2) suggests that this variant is likely to be tolerated. In summary, the available evidence is currently insufficient to determine the role of this variant in disease. Therefore, it has been classified as a Variant of Uncertain Significance.

NM_016222.4(DDX41):c.932G>T (p.Arg311Leu)

Gene: DDX41 (DEAD-box helicase 41; minus strand). Cytogenetic location: 5q35.3.
Variant type: single nucleotide variant.
Coding change: c.932G>T on transcript NM_016222.4 (MANE Select); coding-DNA position 932, G replaced by T.
Protein change: p.Arg311Leu; replaces arginine 311 with leucine.
Molecular consequence: missense variant.
Genome position (GRCh38, 1-based): chr5:177,514,704, C>A on the plus strand (G>T on the coding strand, the complement: DDX41 is on the minus strand). VCF-style: chr5-177514704-C-A. GRCh37 (hg19) VCF-style: chr5-176941705-C-A.
Other names: c.554G>T, p.Arg185Leu (NM_001321732.2, NM_001321830.2); c.932G>T (NM_016222.2); short protein forms R185L, R311L.
Identifiers: ClinVar variation 3644949 (VCV003644949.3).